The following is an entry in ClinVar:

NM_006767.4(LZTR1):c.1039del (p.Val347fs)

Gene: LZTR1 (leucine zipper like post translational regulator 1; plus strand). Cytogenetic location: 22q11.21.
Variant type: Deletion.
Coding change: c.1039del on transcript NM_006767.4 (MANE Select); coding-DNA position 1039, one base deleted (G; older notation c.1039delG).
Protein change: p.Val347fs; shifts the reading frame from valine 347.
Molecular consequence: frameshift variant.
Genome position (GRCh38, 1-based): chr22:20,992,259, G deleted; the last of 2 consecutive G bases (chr22:20,992,258-20,992,259); deleting either gives the same sequence. VCF-style (leftmost placement, unchanged base first): chr22-20992257-AG-A. GRCh37 (hg19) VCF-style: chr22-21346546-AG-A.
Other names: short protein forms V347fs.
Identifiers: ClinVar variation 2770903 (VCV002770903.3), dbSNP rs2518617989, ClinGen allele CA2697547673.

ClinVar aggregate classification (germline): Pathogenic (1 of 4 stars; one submission).

Submission:

Labcorp Genetics (formerly Invitae), Labcorp
Classification: Pathogenic. Last evaluated: 2023-10-22. Review status: criteria provided, single submitter. Criteria: Invitae Variant Classification Sherloc (09022015). Collection method: clinical testing. Allele origin: germline.
Comment: This sequence change creates a premature translational stop signal (p.Val347Cysfs*4) in the LZTR1 gene. It is expected to result in an absent or disrupted protein product. Loss-of-function variants in LZTR1 are known to be pathogenic (PMID: 24362817, 25335493, 25480913, 25795793, 29469822, 30368668, 30442762, 30442766, 30481304, 30859559). This variant is not present in population databases (gnomAD no frequency). This variant has not been reported in the literature in individuals affected with LZTR1-related conditions. For these reasons, this variant has been classified as Pathogenic.

Literature cited by the submitters: PubMed 24362817; PubMed 25335493; PubMed 25480913; PubMed 25795793; PubMed 29469822; PubMed 30368668; PubMed 30442762; PubMed 30442766; PubMed 30481304; PubMed 30859559.